The following is an entry in ClinVar:

NM_000257.4(MYH7):c.3141C>T (p.Asp1047=)

Gene: MYH7 (myosin heavy chain 7; minus strand). Cytogenetic location: 14q11.2.
Variant type: single nucleotide variant.
Coding change: c.3141C>T on transcript NM_000257.4 (MANE Select); coding-DNA position 3141, C replaced by T.
Protein change: p.Asp1047=; no amino-acid change (aspartic acid 1047 retained).
Molecular consequence: synonymous variant.
Genome position (GRCh38, 1-based): chr14:23,422,284, G>A on the plus strand (C>T on the coding strand, the complement: MYH7 is on the minus strand). VCF-style: chr14-23422284-G-A. GRCh37 (hg19) VCF-style: chr14-23891493-G-A.
Other names: c.3141C>T (LRG_384t1).
Identifiers: ClinVar variation 516355 (VCV000516355.1), dbSNP rs1555337310, ClinGen allele CA485621923.

ClinVar aggregate classification (germline): Likely benign (1 of 4 stars; one submission).

Submission:

GeneDx
Classification: Likely benign. Last evaluated: 2018-01-29. Review status: criteria provided, single submitter. Criteria: GeneDx Variant Classification (06012015). Collection method: clinical testing. Allele origin: germline. Affected: yes.
Comment: This variant is considered likely benign or benign based on one or more of the following criteria: it is a conservative change, it occurs at a poorly conserved position in the protein, it is predicted to be benign by multiple in silico algorithms, and/or has population frequency not consistent with disease.